The following is an entry in ClinVar:

ClinVar aggregate classification (germline): Uncertain significance. Review status: criteria provided, multiple submitters, no conflicts (2 of 4 stars). 2 submissions from 2 submitters: Uncertain significance (2). Last evaluated 2025-08-13.

Conditions:
Hereditary pheochromocytoma and paraganglioma. Also called: Hereditary pheochromocytoma-paraganglioma; Hereditary paragangliomas and pheochromocytomas; Hereditary Paraganglioma-Pheochromocytoma Syndromes. Identifiers: Orphanet 29072, MedGen C4274332, MONDO:0017366.
Hereditary cancer-predisposing syndrome. Also called: Neoplastic Syndromes, Hereditary; Tumor predisposition; Hereditary Cancer Syndrome; Hereditary neoplastic syndrome. Identifiers: Orphanet 140162, MedGen C0027672, MeSH D009386, MONDO:0015356.

Allele frequency attached by ClinVar (database versions not stated): gnomAD exomes below 0.00001.
gnomAD v4.1: 1 of 1,614,154 alleles (0.000062%); highest among the groups gnomAD compares: South Asian, 0.0011%; no homozygotes.

Submissions (2):

Ambry Genetics
Classification: Uncertain significance for Hereditary cancer-predisposing syndrome. Last evaluated: 2025-08-13. Review status: criteria provided, single submitter. Criteria: Ambry Variant Classification Scheme 2023. Collection method: clinical testing. Allele origin: germline.
Comment: The p.L189P variant (also known as c.566T>C), located in coding exon 3 of the TMEM127 gene, results from a T to C substitution at nucleotide position 566. The leucine at codon 189 is replaced by proline, an amino acid with similar properties. This amino acid position is highly conserved in available vertebrate species. In addition, this alteration is predicted to be deleterious by in silico analysis. Based on the available evidence, the clinical significance of this variant remains unclear.

Labcorp Genetics (formerly Invitae), Labcorp
Classification: Uncertain significance for Hereditary pheochromocytoma and paraganglioma. Last evaluated: 2024-11-06. Review status: criteria provided, single submitter. Criteria: Invitae Variant Classification Sherloc (09022015). Collection method: clinical testing. Allele origin: germline.
Comment: This sequence change replaces leucine, which is neutral and non-polar, with proline, which is neutral and non-polar, at codon 189 of the TMEM127 protein (p.Leu189Pro). This variant is not present in population databases (gnomAD no frequency). This variant has not been reported in the literature in individuals affected with TMEM127-related conditions. ClinVar contains an entry for this variant (Variation ID: 1748961). An algorithm developed to predict the effect of missense changes on protein structure and function (PolyPhen-2) suggests that this variant is likely to be disruptive. In summary, the available evidence is currently insufficient to determine the role of this variant in disease. Therefore, it has been classified as a Variant of Uncertain Significance.

NM_017849.4(TMEM127):c.566T>C (p.Leu189Pro)

Gene: TMEM127 (transmembrane protein 127; minus strand). Cytogenetic location: 2q11.2.
Variant type: single nucleotide variant.
Coding change: c.566T>C on transcript NM_017849.4 (MANE Select); coding-DNA position 566, T replaced by C.
Protein change: p.Leu189Pro; replaces leucine 189 with proline.
Molecular consequence: missense variant.
Genome position (GRCh38, 1-based): chr2:96,253,959, A>G on the plus strand (T>C on the coding strand, the complement: TMEM127 is on the minus strand). VCF-style: chr2-96253959-A-G. GRCh37 (hg19) VCF-style: chr2-96919697-A-G.
Other names: c.566T>C, p.Leu189Pro (NM_001193304.3); c.314T>C, p.Leu105Pro (NM_001407282.1, NM_001407283.1); short protein forms L105P, L189P.
Identifiers: ClinVar variation 1748961 (VCV001748961.8), dbSNP rs2104284032, ClinGen allele CA347652340.